The following is an entry in ClinVar:

NM_006031.6(PCNT):c.2834G>A (p.Arg945His)

Gene: PCNT (pericentrin; plus strand). Cytogenetic location: 21q22.3.
Variant type: single nucleotide variant.
Coding change: c.2834G>A on transcript NM_006031.6 (MANE Select); coding-DNA position 2834, G replaced by A.
Protein change: p.Arg945His; replaces arginine 945 with histidine.
Molecular consequence: missense variant.
Genome position (GRCh38, 1-based): chr21:46,366,808, G>A. VCF-style: chr21-46366808-G-A. GRCh37 (hg19) VCF-style: chr21-47786723-G-A.
Other names: c.2480G>A, p.Arg827His (NM_001315529.2); short protein forms R945H, R827H.
Identifiers: ClinVar variation 436260 (VCV000436260.10), dbSNP rs183691508, ClinGen allele CA10079105.

ClinVar aggregate classification (germline): Uncertain significance. Review status: criteria provided, multiple submitters, no conflicts (2 of 4 stars). 3 submissions from 3 submitters: Uncertain significance (3). Last evaluated 2026-08-17.

Conditions:
PCNT-related disorder. Also called: PCNT-related condition.

Allele frequency attached by ClinVar (database versions not stated): TOPMed 0.00002; 1000 Genomes Project 30x 0.00016; 1000 Genomes Project 0.00020.
gnomAD v4.1: 72 of 1,613,812 alleles (0.0045%); highest among the groups gnomAD compares: Non-Finnish European, 0.0058%; no homozygotes.

Submissions (3):

PreventionGenetics, part of Exact Sciences
Classification: Uncertain significance for PCNT-related condition. Last evaluated: 2026-08-17. Review status: criteria provided, single submitter. Criteria: ACMG Guidelines, 2015. Collection method: clinical testing. Allele origin: germline.
Comment: The PCNT c.2834G>A variant is predicted to result in the amino acid substitution p.Arg945His. To our knowledge, this variant has not been reported in the literature. This variant is reported in 0.0078% of alleles in individuals of European (Non-Finnish) descent in gnomAD. At this time, the clinical significance of this variant is uncertain due to the absence of conclusive functional and genetic evidence.

Labcorp Genetics (formerly Invitae), Labcorp
Classification: Uncertain significance. Last evaluated: 2022-08-06. Review status: criteria provided, single submitter. Criteria: Invitae Variant Classification Sherloc (09022015). Collection method: clinical testing. Allele origin: germline.
Comment: This sequence change replaces arginine, which is basic and polar, with histidine, which is basic and polar, at codon 945 of the PCNT protein (p.Arg945His). This variant is present in population databases (rs183691508, gnomAD 0.008%). This variant has not been reported in the literature in individuals affected with PCNT-related conditions. ClinVar contains an entry for this variant (Variation ID: 436260). Algorithms developed to predict the effect of missense changes on protein structure and function output the following: SIFT: "Tolerated"; PolyPhen-2: "Possibly Damaging"; Align-GVGD: "Class C0". The histidine amino acid residue is found in multiple mammalian species, which suggests that this missense change does not adversely affect protein function. In summary, the available evidence is currently insufficient to determine the role of this variant in disease. Therefore, it has been classified as a Variant of Uncertain Significance.

Genetic Services Laboratory, University of Chicago
Classification: Uncertain significance. Last evaluated: 2015-10-20. Review status: criteria provided, single submitter. Criteria: ACMG Guidelines, 2015. Collection method: clinical testing. Allele origin: germline. Affected: no.